The following is an entry in ClinVar:

ClinVar aggregate classification (germline): Uncertain significance. Review status: criteria provided, multiple submitters, no conflicts (2 of 4 stars). 2 submissions from 2 submitters: Uncertain significance (2). Last evaluated 2024-10-17.

Conditions:
Inborn genetic diseases. Identifiers: MedGen C0950123, MeSH D030342.
Infantile-onset X-linked spinal muscular atrophy. Also called: Spinal Muscular Atrophy, X-Linked Infantile; Spinal muscular atrophy, X-linked 2; SPINAL MUSCULAR ATROPHY, X-LINKED LETHAL INFANTILE; AMC, DISTAL, X-LINKED; ARTHROGRYPOSIS, X-LINKED, TYPE I. Identifiers: Orphanet 1145, MedGen C1844934, MONDO:0010532, OMIM 301830.

Allele frequency attached by ClinVar (database versions not stated): gnomAD exomes 0.00001 and 0.00004; ExAC 0.00003; gnomAD 0.00011 and 0.00012; TOPMed 0.00012.
gnomAD v4.1: 21 of 1,207,940 alleles (0.0017%); highest among the groups gnomAD compares: African/African-American, 0.032%; no homozygotes.

Submissions (2):

Labcorp Genetics (formerly Invitae), Labcorp
Classification: Uncertain significance for Infantile-onset X-linked spinal muscular atrophy. Last evaluated: 2024-10-17. Review status: criteria provided, single submitter. Criteria: Invitae Variant Classification Sherloc (09022015). Collection method: clinical testing. Allele origin: germline.
Comment: This sequence change replaces tyrosine, which is neutral and polar, with aspartic acid, which is acidic and polar, at codon 948 of the UBA1 protein (p.Tyr948Asp). This variant is present in population databases (rs781929195, gnomAD 0.04%). This variant has not been reported in the literature in individuals affected with UBA1-related conditions. ClinVar contains an entry for this variant (Variation ID: 1508317). An algorithm developed to predict the effect of missense changes on protein structure and function (PolyPhen-2) suggests that this variant is likely to be disruptive. In summary, the available evidence is currently insufficient to determine the role of this variant in disease. Therefore, it has been classified as a Variant of Uncertain Significance.

Ambry Genetics
Classification: Uncertain significance for Inborn genetic diseases. Last evaluated: 2020-06-01. Review status: criteria provided, single submitter. Criteria: Ambry Variant Classification Scheme 2023. Collection method: clinical testing. Allele origin: germline.
Comment: The p.Y948D variant (also known as c.2842T>G), located in coding exon 23 of the UBA1 gene, results from a T to G substitution at nucleotide position 2842. The tyrosine at codon 948 is replaced by aspartic acid, an amino acid with highly dissimilar properties. Based on data from gnomAD, the c.2842T>G variant has an overall frequency of 0.004% (8/205,057) of total alleles studied. The highest observed frequency was 0.04% (8/18,861) in the African sub-population, with no hemizygotes observed. This amino acid position is well conserved in available vertebrate species. In addition, the in silico prediction for this alteration is inconclusive. Since supporting evidence is limited at this time, the clinical significance of this alteration remains unclear.

NM_003334.4(UBA1):c.2842T>G (p.Tyr948Asp)

Gene: UBA1 (ubiquitin like modifier activating enzyme 1; plus strand). Cytogenetic location: Xp11.3.
Variant type: single nucleotide variant.
Coding change: c.2842T>G on transcript NM_003334.4 (MANE Select); coding-DNA position 2842, T replaced by G.
Protein change: p.Tyr948Asp; replaces tyrosine 948 with aspartic acid.
Molecular consequence: missense variant.
Genome position (GRCh38, 1-based): chrX:47,214,330, T>G. VCF-style: chrX-47214330-T-G. GRCh37 (hg19) VCF-style: chrX-47073729-T-G.
Other names: c.2842T>G, p.Tyr948Asp (NM_153280.3); short protein forms Y948D.
Identifiers: ClinVar variation 1508317 (VCV001508317.10), dbSNP rs781929195, ClinGen allele CA10396217.